The following is an entry in ClinVar:

NM_002427.4(MMP13):c.884G>A (p.Ser295Asn)

Gene: MMP13 (matrix metallopeptidase 13; minus strand). Cytogenetic location: 11q22.2.
Variant type: single nucleotide variant.
Coding change: c.884G>A on transcript NM_002427.4 (MANE Select); coding-DNA position 884, G replaced by A.
Protein change: p.Ser295Asn; replaces serine 295 with asparagine.
Molecular consequence: missense variant.
Genome position (GRCh38, 1-based): chr11:102,950,143, C>T on the plus strand (G>A on the coding strand, the complement: MMP13 is on the minus strand). VCF-style: chr11-102950143-C-T. GRCh37 (hg19) VCF-style: chr11-102820872-C-T.
Other names: c.884G>A (NM_002427.3); short protein forms S295N.
Identifiers: ClinVar variation 282956 (VCV000282956.13), dbSNP rs782620150, ClinGen allele CA6251860.

ClinVar aggregate classification (germline): Uncertain significance. Review status: criteria provided, multiple submitters, no conflicts (2 of 4 stars). 3 submissions from 3 submitters: Uncertain significance (3). Last evaluated 2025-09-28.

Allele frequency attached by ClinVar (database versions not stated): gnomAD 0.00001; TOPMed 0.00001; gnomAD exomes 0.00003; ExAC 0.00005.
gnomAD v4.1: 43 of 1,613,406 alleles (0.0027%); highest among the groups gnomAD compares: Non-Finnish European, 0.0035%; no homozygotes.

Submissions (3):

Labcorp Genetics (formerly Invitae), Labcorp
Classification: Uncertain significance. Last evaluated: 2025-09-28. Review status: criteria provided, single submitter. Criteria: Invitae Variant Classification Sherloc (09022015). Collection method: clinical testing. Allele origin: germline.
Comment: This sequence change replaces serine, which is neutral and polar, with asparagine, which is neutral and polar, at codon 295 of the MMP13 protein (p.Ser295Asn). This variant is present in population databases (rs782620150, gnomAD 0.008%). This variant has not been reported in the literature in individuals affected with MMP13-related conditions. ClinVar contains an entry for this variant (Variation ID: 282956). Invitae Evidence Modeling of protein sequence and biophysical properties (such as structural, functional, and spatial information, amino acid conservation, physicochemical variation, residue mobility, and thermodynamic stability) indicates that this missense variant is not expected to disrupt MMP13 protein function with a negative predictive value of 80%. In summary, the available evidence is currently insufficient to determine the role of this variant in disease. Therefore, it has been classified as a Variant of Uncertain Significance.

Ambry Genetics
Classification: Uncertain significance. Last evaluated: 2025-07-16. Review status: criteria provided, single submitter. Criteria: Ambry Variant Classification Scheme 2023. Collection method: clinical testing. Allele origin: germline.

Eurofins Ntd Llc (ga)
Classification: Uncertain significance. Last evaluated: 2015-09-02. Review status: criteria provided, single submitter. Criteria: EGL Classification Definitions 2015. Collection method: clinical testing. Allele origin: germline. Observed: 1 variant allele, 1 heterozygote.